The following is an entry in ClinVar:

NM_001384474.1(LOXHD1):c.5921del (p.Asp1974fs)

Gene: LOXHD1 (lipoxygenase homology PLAT domains 1; minus strand). Cytogenetic location: 18q21.1.
Variant type: Deletion.
Coding change: c.5921del on transcript NM_001384474.1 (MANE Select); coding-DNA position 5921, one base deleted (A; older notation c.5921delA).
Protein change: p.Asp1974fs; shifts the reading frame from aspartic acid 1974.
Molecular consequence: frameshift variant.
Genome position (GRCh38, 1-based): chr18:46,489,100, T deleted on the plus strand (A on the coding strand, the reverse complement: LOXHD1 is on the minus strand). VCF-style (leftmost placement, unchanged base first): chr18-46489099-GT-G. GRCh37 (hg19) VCF-style: chr18-44069062-GT-G.
Other names: c.2588del, p.Asp863fs (NM_001145472.3); c.638del, p.Asp213fs (NM_001145473.3, NM_001173129.2); c.2300del, p.Asp767fs (NM_001308013.2); c.5735del, p.Asp1912fs (NM_144612.7); short protein forms D1912fs, D767fs, D863fs, D1974fs, D213fs.
Identifiers: ClinVar variation 2701349 (VCV002701349.3), dbSNP rs2511397357, ClinGen allele CA2697555429.
Genomic context (GRCh38, chr18:46,489,099, plus strand): 5'-ACCCTCACTCTTGGAGAGCCAGCAGTCACACTGGAAGTGGAAGGTCTCGTCGCGGGAGTT[GT>G]CCTTCACATCGACATAGCTCAGATGCCAGCCAGGAAATATCCCTGTGGAAAAGACACCAT-3'

ClinVar aggregate classification (germline): Pathogenic (1 of 4 stars; one submission).

Submission:

Labcorp Genetics (formerly Invitae), Labcorp
Classification: Pathogenic. Last evaluated: 2023-12-07. Review status: criteria provided, single submitter. Criteria: Invitae Variant Classification Sherloc (09022015). Collection method: clinical testing. Allele origin: germline.
Comment: This sequence change creates a premature translational stop signal (p.Asp1912Alafs*49) in the LOXHD1 gene. It is expected to result in an absent or disrupted protein product. Loss-of-function variants in LOXHD1 are known to be pathogenic (PMID: 19732867, 21465660, 25792669). This variant is not present in population databases (gnomAD no frequency). This variant has not been reported in the literature in individuals affected with LOXHD1-related conditions. For these reasons, this variant has been classified as Pathogenic.

Literature cited by the submitters: PubMed 19732867; PubMed 21465660; PubMed 25792669.